The following is an entry in ClinVar:

ClinVar aggregate classification (germline): Uncertain significance (1 of 4 stars; one submission).

Conditions:
Norman-Roberts syndrome (LIS2). Also called: Lissencephaly 2 (Norman-Roberts type). Identifiers: Orphanet 89844, MedGen C0796089, MONDO:0009760, OMIM 257320.
Familial temporal lobe epilepsy 7. Identifiers: Orphanet 101046, MedGen C4225327, MONDO:0014639, OMIM 616436.

Submission:

Labcorp Genetics (formerly Invitae), Labcorp
Classification: Uncertain significance for Familial temporal lobe epilepsy 7; Norman-Roberts syndrome. Last evaluated: 2025-02-17. Review status: criteria provided, single submitter. Criteria: Invitae Variant Classification Sherloc (09022015). Collection method: clinical testing. Allele origin: germline.
Comment: This sequence change replaces serine, which is neutral and polar, with alanine, which is neutral and non-polar, at codon 2661 of the RELN protein (p.Ser2661Ala). This variant is not present in population databases (gnomAD no frequency). This variant has not been reported in the literature in individuals affected with RELN-related conditions. Invitae Evidence Modeling of protein sequence and biophysical properties (such as structural, functional, and spatial information, amino acid conservation, physicochemical variation, residue mobility, and thermodynamic stability) indicates that this missense variant is not expected to disrupt RELN protein function with a negative predictive value of 80%. In summary, the available evidence is currently insufficient to determine the role of this variant in disease. Therefore, it has been classified as a Variant of Uncertain Significance.

NM_005045.4(RELN):c.7981T>G (p.Ser2661Ala)

Gene: RELN (reelin; minus strand). Cytogenetic location: 7q22.1.
Variant type: single nucleotide variant.
Coding change: c.7981T>G on transcript NM_005045.4 (MANE Select); coding-DNA position 7981, T replaced by G.
Protein change: p.Ser2661Ala; replaces serine 2661 with alanine.
Molecular consequence: missense variant.
Genome position (GRCh38, 1-based): chr7:103,515,323, A>C on the plus strand (T>G on the coding strand, the complement: RELN is on the minus strand). VCF-style: chr7-103515323-A-C. GRCh37 (hg19) VCF-style: chr7-103155770-A-C.
Other names: c.7981T>G, p.Ser2661Ala (NM_173054.3); short protein forms S2661A.
Identifiers: ClinVar variation 4783053 (VCV004783053.1).